The following is an entry in ClinVar:

ClinVar aggregate classification (germline): Benign/Likely benign. Review status: criteria provided, multiple submitters, no conflicts (2 of 4 stars). 6 submissions from 6 submitters: Benign (2); Likely benign (2). 2 of the submissions do not count toward it. Last evaluated 2026-02-01.

Conditions:
NOTCH2-related disorder. Also called: NOTCH2-related condition.
Hajdu-Cheney syndrome (HJCYS). Also called: Acroosteolysis dominant type; ACROOSTEOLYSIS WITH OSTEOPOROSIS AND CHANGES IN SKULL AND MANDIBLE; SERPENTINE FIBULA-POLYCYSTIC KIDNEY SYNDROME. Identifiers: Orphanet 955, MedGen C0917715, MONDO:0007057, OMIM 102500.

Allele frequency attached by ClinVar (database versions not stated): ESP Exome Variant Server 0.00015; gnomAD 0.00150; TOPMed 0.00215; 1000 Genomes Project 30x 0.00703; 1000 Genomes Project 0.00759.
gnomAD v4.1: 1,794 of 1,614,078 alleles (0.11%); highest among the groups gnomAD compares: East Asian, 3.4%; 26 homozygotes.

Submissions (6):

Labcorp Genetics (formerly Invitae), Labcorp
Classification: Benign for Hajdu-Cheney syndrome. Last evaluated: 2026-02-01. Review status: criteria provided, single submitter. Criteria: Invitae Variant Classification Sherloc (09022015). Collection method: clinical testing. Allele origin: germline.

Mayo Clinic Laboratories, Mayo Clinic
Classification: Benign. Last evaluated: 2025-08-22. Review status: criteria provided, single submitter. Criteria: ACMG Guidelines, 2015. Collection method: clinical testing. Allele origin: germline. Observed: 1 variant allele.
Comment: BS1, BS2, PP2

Blueprint Genetics
Classification: Likely benign. Last evaluated: 2024-11-22. Review status: criteria provided, single submitter. Criteria: ACMG Guidelines, 2015. Collection method: clinical testing. Allele origin: germline.

GeneDx
Classification: Likely benign. Last evaluated: 2021-03-21. Review status: criteria provided, single submitter. Criteria: GeneDx Variant Classification Process June 2021. Collection method: clinical testing. Allele origin: germline. Affected: yes.

PreventionGenetics, part of Exact Sciences
Classification: Benign for NOTCH2-related condition. Last evaluated: 2019-05-28. Review status: no assertion criteria provided. Collection method: clinical testing. Allele origin: germline. Not counted in ClinVar's aggregate classification.
Comment: This variant is classified as benign based on ACMG/AMP sequence variant interpretation guidelines (Richards et al. 2015 PMID: 25741868, with internal and published modifications).

ITMI
No classification provided. Condition: AllHighlyPenetrant. Last evaluated: 2013-09-19. Review status: no classification provided. Collection method: reference population. Allele origin: germline. Not counted in ClinVar's aggregate classification.
Comment: Please see associated publication for description of ethnicities

Literature cited by the submitters: PubMed 40336196 (cited by Mayo Clinic Laboratories, Mayo Clinic); PubMed 24728327 (cited by ITMI).

NM_024408.4(NOTCH2):c.5065A>T (p.Ile1689Phe)

Gene: NOTCH2 (notch receptor 2; minus strand). Cytogenetic location: 1p12.
Variant type: single nucleotide variant.
Coding change: c.5065A>T on transcript NM_024408.4 (MANE Select); coding-DNA position 5065, A replaced by T.
Protein change: p.Ile1689Phe; replaces isoleucine 1689 with phenylalanine.
Molecular consequence: missense variant.
Genome position (GRCh38, 1-based): chr1:119,922,384, T>A on the plus strand (A>T on the coding strand, the complement: NOTCH2 is on the minus strand). VCF-style: chr1-119922384-T-A. GRCh37 (hg19) VCF-style: chr1-120465007-T-A.
Other names: p.Ile1689Phe; short protein forms I1689F.
Identifiers: ClinVar variation 134978 (VCV000134978.17), dbSNP rs60854092, ClinGen allele CA161283.
Genomic context (GRCh38, chr1:119,922,384, plus strand): 5'-GAGAGCCATGCTTACGCTTTCGTTTTGCCATGATTACCCCCAGCAGAATAATAAACAGAA[T>A]GATGACAACAGCAACAGCAAGGAGATAGAGGAGCTGAGTGCGTTCTGGAGTCAGGGATTC-3'
Protein context (NP_077719.2, residues 1679-1699): LYLLAVAVVI[Ile1689Phe]LFIILLGVIM